The following is an entry in ClinVar:

ClinVar aggregate classification (germline): Conflicting classifications of pathogenicity. Review status: criteria provided, conflicting classifications (1 of 4 stars). 2 submissions from 2 submitters: Uncertain significance (1); Likely benign (1). Last evaluated 2025-01-16.

Conditions:
Inborn genetic diseases. Identifiers: MedGen C0950123, MeSH D030342.

gnomAD v4.1: 18 of 1,614,028 alleles (0.0011%); highest among the groups gnomAD compares: African/African-American, 0.019%; no homozygotes.

Submissions (2):

Ambry Genetics
Classification: Likely benign for Inborn genetic diseases. Last evaluated: 2025-01-16. Review status: criteria provided, single submitter. Criteria: Ambry Variant Classification Scheme 2023. Collection method: clinical testing. Allele origin: germline.

Athena Diagnostics
Classification: Uncertain significance. Last evaluated: 2024-05-23. Review status: criteria provided, single submitter. Criteria: Athena Diagnostics Criteria. Collection method: clinical testing. Allele origin: unknown.
Comment: Available data are insufficient to determine the clinical significance of the variant at this time. The frequency of this variant in the general population is uninformative in assessment of its pathogenicity. Polyphen and MutationTaster predict this amino acid change may be benign.

NM_018109.4(MTPAP):c.449A>G (p.Asn150Ser)

Gene: MTPAP (mitochondrial poly(A) polymerase; minus strand). Cytogenetic location: 10p11.23.
Variant type: single nucleotide variant.
Coding change: c.449A>G on transcript NM_018109.4 (MANE Select); coding-DNA position 449, A replaced by G.
Protein change: p.Asn150Ser; replaces asparagine 150 with serine.
Molecular consequence: missense variant.
Genome position (GRCh38, 1-based): chr10:30,340,332, T>C on the plus strand (A>G on the coding strand, the complement: MTPAP is on the minus strand). VCF-style: chr10-30340332-T-C. GRCh37 (hg19) VCF-style: chr10-30629261-T-C.
Other names: short protein forms N150S.
Identifiers: ClinVar variation 3571967 (VCV003571967.2).